The following is an entry in ClinVar:

ClinVar aggregate classification (germline): Benign/Likely benign. Review status: criteria provided, multiple submitters, no conflicts (2 of 4 stars). 3 submissions from 3 submitters: Benign (1); Likely benign (2). Last evaluated 2024-09-27.

Conditions:
Hereditary cancer-predisposing syndrome. Also called: Neoplastic Syndromes, Hereditary; Tumor predisposition; Hereditary Cancer Syndrome; Hereditary neoplastic syndrome. Identifiers: Orphanet 140162, MedGen C0027672, MeSH D009386, MONDO:0015356.
Familial melanoma. Also called: Hereditary melanoma; Hereditary cutaneous melanoma. Identifiers: Orphanet 618, MedGen C1512419, MONDO:0018961.
Melanoma, cutaneous malignant, susceptibility to, 3. Also called: Cutaneous malignant melanoma 3. Identifiers: Orphanet 618, MedGen C1836892, MONDO:0012183, OMIM 609048.

Allele frequency attached by ClinVar (database versions not stated): gnomAD exomes below 0.00001.
gnomAD v4.1: 2 of 1,614,020 alleles (0.00012%); highest among the groups gnomAD compares: South Asian, 0.0011%; no homozygotes.

Submissions (3):

Myriad Genetics, Inc.
Classification: Benign for Melanoma, cutaneous malignant, susceptibility to, 3. Last evaluated: 2024-09-27. Review status: criteria provided, single submitter. Criteria: Myriad Autosomal Dominant, Autosomal Recessive and X-Linked Classification Criteria (2023). Collection method: clinical testing. Allele origin: unknown.
Comment: This variant is considered benign. This variant is a silent/synonymous amino acid change and it is not expected to impact splicing.

Labcorp Genetics (formerly Invitae), Labcorp
Classification: Likely benign for Familial melanoma. Last evaluated: 2024-01-21. Review status: criteria provided, single submitter. Criteria: Invitae Variant Classification Sherloc (09022015). Collection method: clinical testing. Allele origin: germline.

Ambry Genetics
Classification: Likely benign for Hereditary cancer-predisposing syndrome. Last evaluated: 2020-08-11. Review status: criteria provided, single submitter. Criteria: Ambry Variant Classification Scheme 2023. Collection method: clinical testing. Allele origin: germline.

NM_000075.4(CDK4):c.858C>T (p.Ala286=)

Genes: TSPAN31 (tetraspanin 31; plus strand), CDK4 (cyclin dependent kinase 4; minus strand). Cytogenetic location: 12q14.1.
Variant type: single nucleotide variant.
Coding change: c.858C>T on transcript NM_000075.4 (MANE Select); coding-DNA position 858, C replaced by T.
Protein change: p.Ala286=; no amino-acid change (alanine 286 retained).
Molecular consequence: synonymous variant. On other transcripts: 3 prime UTR variant (3).
Genome position (GRCh38, 1-based): chr12:57,748,579, G>A on the plus strand (C>T on the coding strand, the complement: CDK4 is on the minus strand). VCF-style: chr12-57748579-G-A. GRCh37 (hg19) VCF-style: chr12-58142362-G-A.
Other names: c.*1289G>A (NM_001330168.2, NM_001330169.2, NM_005981.5).
Identifiers: ClinVar variation 1763941 (VCV001763941.6), dbSNP rs2140381151, ClinGen allele CA480299581.